The following is an entry in ClinVar:

ClinVar aggregate classification (germline): Pathogenic/Likely pathogenic. Review status: criteria provided, multiple submitters, no conflicts (2 of 4 stars). 6 submissions from 6 submitters: Pathogenic (3); Likely pathogenic (1). 2 of the submissions do not count toward it. Last evaluated 2025-09-03.

Conditions:
Methylmalonic aciduria, cblB type (MACB). Also called: Vitamin B12-responsive methylmalonic acidemia type cblB; METHYLMALONIC ACIDURIA, VITAMIN B12-RESPONSIVE, DUE TO DEFECT IN SYNTHESIS OF ADENOSYLCOBALAMIN, cblB TYPE; Methylmalonic acidemia cblB type. Identifiers: Orphanet 28, Orphanet 79311, MedGen C1855102, MONDO:0009614, OMIM 251110.

Allele frequency attached by ClinVar (database versions not stated): gnomAD exomes below 0.00001.

Submissions (6):

Natera, Inc.
Classification: Pathogenic for Methylmalonic aciduria cblB type. Last evaluated: 2025-09-03. Review status: criteria provided, single submitter. Criteria: Natera Variant Classification Schema (03/2026). Collection method: clinical testing. Allele origin: germline.
Comment: The c.349-1G>C variant in MMAB is a canonical splice acceptor site variant predicted to affect pre-mRNA splicing, which may result in an abnormal transcript and altered protein product. This variant is expected to result in nonsense mediated decay, truncation, or a dysfunctional protein product. This variant is rare in the general population with a frequency below the threshold expected for the associated phenotype(s). This variant has been observed in one or more individuals affected with the associated recessive disease, as either homozygous or compound heterozygous with a second variant (PMID: 20556797, 35614015). Functional studies show that this variant may disrupt protein function (PMID: 20556797). Given the available evidence, this variant is classified as Pathogenic.

GeneDx
Classification: Pathogenic. Last evaluated: 2024-06-11. Review status: criteria provided, single submitter. Criteria: GeneDx Variant Classification Process June 2021. Collection method: clinical testing. Allele origin: germline. Affected: yes.
Comment: Identified with a second MMAB variant, phase unknown, in unrelated patients with methylmalonic aciduria, cblB type referred for genetic testing at GeneDx and in published literature (PMID: 20556797); Canonical splice site variant predicted to result in a null allele in a gene for which loss of function is a known mechanism of disease; Not observed at significant frequency in large population cohorts (gnomAD); This variant is associated with the following publications: (PMID: 25525159, 35614015, 20549364, 29197662, 20556797)

Fulgent Genetics
Classification: Likely pathogenic for Methylmalonic aciduria, cblB type. Last evaluated: 2024-04-19. Review status: criteria provided, single submitter. Criteria: ACMG Guidelines, 2015. Collection method: clinical testing. Allele origin: germline.

Baylor Genetics
Classification: Pathogenic for Methylmalonic aciduria, cblB type. Last evaluated: 2023-12-12. Review status: criteria provided, single submitter. Criteria: ACMG Guidelines, 2015. Collection method: clinical testing. Allele origin: unknown.

Counsyl
Classification: Likely pathogenic for Methylmalonic aciduria, cblB type. Last evaluated: 2018-05-03. Review status: no assertion criteria provided. Collection method: clinical testing. Allele origin: unknown. Not counted in ClinVar's aggregate classification.

OMIM
Classification: Pathogenic for METHYLMALONIC ACIDURIA, cblB TYPE. Last evaluated: 2010-09-01. Review status: no assertion criteria provided. Collection method: literature only. Allele origin: germline. Not counted in ClinVar's aggregate classification.

Literature cited by the submitters: PubMed 20556797 (cited by 3 submitters); PubMed 35614015 (cited by Natera, Inc.); PubMed 20549364 (cited by Counsyl).

NM_052845.4(MMAB):c.349-1G>C

Gene: MMAB (metabolism of cobalamin associated B; minus strand). Cytogenetic location: 12q24.11.
Variant type: single nucleotide variant.
Coding change: c.349-1G>C on transcript NM_052845.4 (MANE Select); the canonical splice acceptor site of the intron before coding-DNA position 349, G replaced by C.
Molecular consequence: splice acceptor variant.
Genome position (GRCh38, 1-based): chr12:109,561,853, C>G on the plus strand (G>C on the coding strand, the complement: MMAB is on the minus strand). VCF-style: chr12-109561853-C-G. GRCh37 (hg19) VCF-style: chr12-109999658-C-G.
Other names: IVS4AS, G-C, -1.
Identifiers: ClinVar variation 218325 (VCV000218325.9), dbSNP rs864309510, ClinGen allele CA278558.